The following is an entry in ClinVar:

NM_001374828.1(ARID1B):c.2247+35367del

Gene: ARID1B (AT-rich interaction domain 1B; plus strand). Cytogenetic location: 6q25.3.
Variant type: Deletion.
Coding change: c.2247+35367del on transcript NM_001374828.1 (MANE Select); 35367 bases into the intron after coding-DNA position 2247, one base deleted (G; older notation c.2247+35367delG).
Molecular consequence: intron variant.
Genome position (GRCh38, 1-based): chr6:156,970,943, G deleted; the last of 3 consecutive G bases (chr6:156,970,941-156,970,943); deleting any one gives the same sequence. VCF-style (leftmost placement, unchanged base first): chr6-156970940-TG-T. GRCh37 (hg19) VCF-style: chr6-157292074-TG-T.
Other names: c.2037+35367delG (NM_020732.3); c.2286+35367del (NM_001371656.1, NM_001374820.1); c.2247+35367del (NM_017519.3).
Identifiers: ClinVar variation 3052352 (VCV003052352.2), dbSNP rs2535779348, ClinGen allele CA2740091539.

ClinVar aggregate classification (germline): Likely benign (0 of 4 stars; one submission).

Conditions:
ARID1B-Related Disorder. Identifiers: MedGen CN381337.

Submission:

PreventionGenetics, part of Exact Sciences
Classification: Likely benign for ARID1B-related condition. Last evaluated: 2022-06-06. Review status: no assertion criteria provided. Collection method: clinical testing. Allele origin: germline.
Comment: This variant is classified as likely benign based on ACMG/AMP sequence variant interpretation guidelines (Richards et al. 2015 PMID: 25741868, with internal and published modifications).